The following is an entry in ClinVar:

NM_006904.7(PRKDC):c.4014G>A (p.Val1338=)

Gene: PRKDC (protein kinase, DNA-activated, catalytic subunit; minus strand). Cytogenetic location: 8q11.21.
Variant type: single nucleotide variant.
Coding change: c.4014G>A on transcript NM_006904.7 (MANE Select); coding-DNA position 4014, G replaced by A.
Protein change: p.Val1338=; no amino-acid change (valine 1338 retained).
Molecular consequence: synonymous variant.
Genome position (GRCh38, 1-based): chr8:47,890,314, C>T on the plus strand (G>A on the coding strand, the complement: PRKDC is on the minus strand). VCF-style: chr8-47890314-C-T. GRCh37 (hg19) VCF-style: chr8-48802875-C-T.
Other names: c.4014G>A, p.Val1338= (NM_001081640.2).
Identifiers: ClinVar variation 514151 (VCV000514151.24), dbSNP rs976690996, ClinGen allele CA176151985.

ClinVar aggregate classification (germline): Likely benign. Review status: criteria provided, multiple submitters, no conflicts (2 of 4 stars). 4 submissions from 4 submitters: Likely benign (4). Last evaluated 2026-01-11.

Conditions:
Severe combined immunodeficiency due to DNA-PKcs deficiency. Also called: IMMUNODEFICIENCY 26 WITH NEUROLOGIC ABNORMALITIES; Immunodeficiency 26 with or without neurologic abnormalities. Identifiers: Orphanet 317425, MedGen C4014833, MONDO:0014423, OMIM 615966.

Allele frequency attached by ClinVar (database versions not stated): gnomAD exomes below 0.00001 and 0.00001; gnomAD 0.00001; TOPMed 0.00002.
gnomAD v4.1: 12 of 1,613,030 alleles (0.00074%); highest among the groups gnomAD compares: Middle Eastern, 0.018%; no homozygotes.

Submissions (4):

Labcorp Genetics (formerly Invitae), Labcorp
Classification: Likely benign for Severe combined immunodeficiency due to DNA-PKcs deficiency. Last evaluated: 2026-01-11. Review status: criteria provided, single submitter. Criteria: Invitae Variant Classification Sherloc (09022015). Collection method: clinical testing. Allele origin: germline.

CeGaT Center for Human Genetics Tuebingen
Classification: Likely benign. Last evaluated: 2024-10-01. Review status: criteria provided, single submitter. Criteria: CeGaT Center For Human Genetics Tuebingen Variant Classification Criteria Version 2. Collection method: clinical testing. Allele origin: germline. Affected: yes. Observed: 1 variant allele.
Comment: PRKDC: BP4, BP7

Ambry Genetics
Classification: Likely benign. Last evaluated: 2022-07-07. Review status: criteria provided, single submitter. Criteria: Ambry Variant Classification Scheme 2023. Collection method: clinical testing. Allele origin: germline.

GeneDx
Classification: Likely benign. Last evaluated: 2017-12-29. Review status: criteria provided, single submitter. Criteria: GeneDx Variant Classification (06012015). Collection method: clinical testing. Allele origin: germline. Affected: yes.
Comment: This variant is considered likely benign or benign based on one or more of the following criteria: it is a conservative change, it occurs at a poorly conserved position in the protein, it is predicted to be benign by multiple in silico algorithms, and/or has population frequency not consistent with disease.